The following is an entry in ClinVar:

NM_206933.4(USH2A):c.3920C>G (p.Ser1307Ter)

Genes: USH2A-AS1 (USH2A antisense RNA 1; plus strand), USH2A (usherin; minus strand). Cytogenetic location: 1q41.
Variant type: single nucleotide variant.
Coding change: c.3920C>G on transcript NM_206933.4 (MANE Select); coding-DNA position 3920, C replaced by G.
Protein change: p.Ser1307Ter; replaces serine 1307 with a stop codon.
Molecular consequence: nonsense.
Genome position (GRCh38, 1-based): chr1:216,198,476, G>C on the plus strand (C>G on the coding strand, the complement: USH2A is on the minus strand). VCF-style: chr1-216198476-G-C. GRCh37 (hg19) VCF-style: chr1-216371818-G-C.
Other names: c.3920C>G, p.Ser1307Ter (NM_007123.6); short protein forms S1307*.
Identifiers: ClinVar variation 553983 (VCV000553983.15), dbSNP rs756623509, ClinGen allele CA1395872.

ClinVar aggregate classification (germline): Pathogenic. Review status: criteria provided, multiple submitters, no conflicts (2 of 4 stars). 9 submissions from 8 submitters: Pathogenic (8). 1 of the submissions does not count toward it. Last evaluated 2025-03-20.

Conditions:
Retinal dystrophy. Also called: Inherited retinal dystrophy. Identifiers: Orphanet 71862, MedGen C0854723, MeSH D058499, MONDO:0019118, HP:0000556.
Retinitis pigmentosa 39 (RP39). Identifiers: Orphanet 791, MedGen C3151138, MONDO:0013436, OMIM 613809.
Usher syndrome type 2A. Also called: RETINAL DISEASE IN USHER SYNDROME TYPE IIA, MODIFIER OF; USHER SYNDROME, TYPE IIA. Identifiers: Orphanet 231178, Orphanet 886, MedGen C1848634, MONDO:0010169, OMIM 276901.

Allele frequency attached by ClinVar (database versions not stated): gnomAD exomes below 0.00001 and 0.00001; ExAC 0.00001.
gnomAD v4.1: 3 of 1,614,056 alleles (0.00019%); highest among the groups gnomAD compares: Non-Finnish European, 0.00025%; no homozygotes.

Submissions (9):

Natera, Inc.
Classification: Pathogenic for Usher syndrome type 2A. Last evaluated: 2025-03-20. Review status: criteria provided, single submitter. Criteria: Natera Variant Classification Schema (03/2026). Collection method: clinical testing. Allele origin: germline.
Comment: The c.3920C>G variant in USH2A is a nonsense variant predicted to introduce a stop codon at amino acid 1307. This variant is expected to result in nonsense mediated decay, truncation, or a dysfunctional protein product. This variant is rare in the general population with a frequency below the threshold expected for the associated phenotype(s). This variant has been observed in one or more individuals affected with the associated recessive disease, as either homozygous or compound heterozygous with a second variant (PMID: 15823922, 34781295). Given the available evidence, this variant is classified as Pathogenic.

Baylor Genetics
Classification: Pathogenic for Retinitis pigmentosa 39. Last evaluated: 2024-03-17. Review status: criteria provided, single submitter. Criteria: ACMG Guidelines, 2015. Collection method: clinical testing. Allele origin: unknown.

Labcorp Genetics (formerly Invitae), Labcorp
Classification: Pathogenic. Last evaluated: 2023-11-21. Review status: criteria provided, single submitter. Criteria: Invitae Variant Classification Sherloc (09022015). Collection method: clinical testing. Allele origin: germline.
Comment: This sequence change creates a premature translational stop signal (p.Ser1307*) in the USH2A gene. It is expected to result in an absent or disrupted protein product. Loss-of-function variants in USH2A are known to be pathogenic (PMID: 10729113, 10909849, 20507924, 25649381). This variant is present in population databases (rs756623509, gnomAD 0.0009%). This premature translational stop signal has been observed in individual(s) with Usher syndrome (PMID: 15823922, 21569298). ClinVar contains an entry for this variant (Variation ID: 553983). For these reasons, this variant has been classified as Pathogenic.

Genome-Nilou Lab
Classification: Pathogenic for Retinitis pigmentosa 39. Last evaluated: 2023-11-04. Review status: criteria provided, single submitter. Criteria: ACMG Guidelines, 2015. Collection method: clinical testing. Allele origin: germline. Affected: no.

Genome-Nilou Lab
Classification: Pathogenic for Usher syndrome type 2A. Last evaluated: 2023-11-04. Review status: criteria provided, single submitter. Criteria: ACMG Guidelines, 2015. Collection method: clinical testing. Allele origin: germline. Affected: no.

Institute of Human Genetics, Univ. Regensburg, Univ. Regensburg
Classification: Pathogenic for Retinal dystrophy. Last evaluated: 2022-01-01. Review status: criteria provided, single submitter. Criteria: ACMG Guidelines, 2015. Collection method: clinical testing. Allele origin: germline. Affected: yes.

Fulgent Genetics
Classification: Pathogenic for Usher syndrome type 2A; Retinitis pigmentosa 39. Last evaluated: 2021-09-23. Review status: criteria provided, single submitter. Criteria: ACMG Guidelines, 2015. Collection method: clinical testing. Allele origin: unknown.

Institute of Medical Genetics and Applied Genomics, University Hospital Tübingen
Classification: Pathogenic. Last evaluated: 2020-10-23. Review status: criteria provided, single submitter. Criteria: ACMG Guidelines, 2015. Collection method: clinical testing. Allele origin: germline. Inheritance: Autosomal recessive inheritance. Affected: yes.

Counsyl
Classification: Pathogenic for Usher syndrome type 2A; Retinitis pigmentosa 39. Last evaluated: 2017-10-06. Review status: no assertion criteria provided. Collection method: clinical testing. Allele origin: unknown. Not counted in ClinVar's aggregate classification.

Literature cited by the submitters: PubMed 15823922 (cited by 4 submitters); PubMed 34781295 (cited by Natera, Inc. and Institute of Human Genetics, Univ. Regensburg, Univ. Regensburg); PubMed 10729113 (cited by Labcorp Genetics (formerly Invitae), Labcorp); PubMed 10909849 (cited by Labcorp Genetics (formerly Invitae), Labcorp); PubMed 20507924 (cited by Labcorp Genetics (formerly Invitae), Labcorp); PubMed 25649381 (cited by Labcorp Genetics (formerly Invitae), Labcorp); PubMed 21569298 (cited by Labcorp Genetics (formerly Invitae), Labcorp); PubMed 25525159 (cited by Institute of Human Genetics, Univ. Regensburg, Univ. Regensburg and Counsyl); PubMed 31964843 (cited by Institute of Human Genetics, Univ. Regensburg, Univ. Regensburg); PubMed 36460718 (cited by Institute of Human Genetics, Univ. Regensburg, Univ. Regensburg); PubMed 24944099 (cited by Counsyl).